The following is an entry in ClinVar:

NM_005585.5(SMAD6):c.1225C>T (p.Pro409Ser)

Gene: SMAD6 (SMAD family member 6; plus strand). Cytogenetic location: 15q22.31.
Variant type: single nucleotide variant.
Coding change: c.1225C>T on transcript NM_005585.5 (MANE Select); coding-DNA position 1225, C replaced by T.
Protein change: p.Pro409Ser; replaces proline 409 with serine.
Molecular consequence: missense variant. On other transcripts: non-coding transcript variant (1).
Genome position (GRCh38, 1-based): chr15:66,781,269, C>T. VCF-style: chr15-66781269-C-T. GRCh37 (hg19) VCF-style: chr15-67073607-C-T.
Other names: short protein forms P409S.
Identifiers: ClinVar variation 651037 (VCV000651037.12), dbSNP rs757027884, ClinGen allele CA7626760.

ClinVar aggregate classification (germline): Uncertain significance. Review status: criteria provided, multiple submitters, no conflicts (2 of 4 stars). 3 submissions from 3 submitters: Uncertain significance (3). Last evaluated 2025-12-08.

Conditions:
Aortic valve disease 2 (AOVD2). Identifiers: MedGen C3542024, MONDO:0013902, OMIM 614823.
Inborn genetic diseases. Identifiers: MedGen C0950123, MeSH D030342.

Allele frequency attached by ClinVar (database versions not stated): gnomAD 0.00001; TOPMed 0.00002.
gnomAD v4.1: 61 of 1,607,576 alleles (0.0038%); highest among the groups gnomAD compares: Middle Eastern, 0.016%; no homozygotes.

Submissions (3):

Labcorp Genetics (formerly Invitae), Labcorp
Classification: Uncertain significance for Aortic valve disease 2. Last evaluated: 2025-12-08. Review status: criteria provided, single submitter. Criteria: Invitae Variant Classification Sherloc (09022015). Collection method: clinical testing. Allele origin: germline.
Comment: This sequence change replaces proline, which is neutral and non-polar, with serine, which is neutral and polar, at codon 409 of the SMAD6 protein (p.Pro409Ser). This variant is present in population databases (rs757027884, gnomAD 0.003%). This variant has not been reported in the literature in individuals affected with SMAD6-related conditions. ClinVar contains an entry for this variant (Variation ID: 651037). Invitae Evidence Modeling of protein sequence and biophysical properties (such as structural, functional, and spatial information, amino acid conservation, physicochemical variation, residue mobility, and thermodynamic stability) indicates that this missense variant is not expected to disrupt SMAD6 protein function with a negative predictive value of 80%. In summary, the available evidence is currently insufficient to determine the role of this variant in disease. Therefore, it has been classified as a Variant of Uncertain Significance.

Women's Health and Genetics/Laboratory Corporation of America, LabCorp
Classification: Uncertain significance. Last evaluated: 2025-05-15. Review status: criteria provided, single submitter. Criteria: LabCorp Variant Classification Summary - May 2015. Collection method: clinical testing. Allele origin: germline.

Ambry Genetics
Classification: Uncertain significance for Inborn genetic diseases. Last evaluated: 2024-11-18. Review status: criteria provided, single submitter. Criteria: Ambry Variant Classification Scheme 2023. Collection method: clinical testing. Allele origin: germline.
Comment: The p.P409S variant (also known as c.1225C>T), located in coding exon 4 of the SMAD6 gene, results from a C to T substitution at nucleotide position 1225. The proline at codon 409 is replaced by serine, an amino acid with similar properties. This amino acid position is conserved. In addition, this alteration is predicted to be deleterious by in silico analysis. Since supporting evidence is limited at this time, the clinical significance of this alteration remains unclear.